The following is an entry in ClinVar:

ClinVar aggregate classification (germline): Uncertain significance (1 of 4 stars; one submission).

Conditions:
Fanconi anemia (FA). Also called: Fanconi's anemia. Identifiers: Orphanet 84, MedGen C0015625, MeSH D005199, MONDO:0019391.

Allele frequency attached by ClinVar (database versions not stated): gnomAD exomes below 0.00001; ExAC 0.00001; TOPMed 0.00002; gnomAD 0.00003 and 0.00004.
gnomAD v4.1: 7 of 1,608,338 alleles (0.00044%); highest among the groups gnomAD compares: African/African-American, 0.0067%; no homozygotes.

Submission:

Labcorp Genetics (formerly Invitae), Labcorp
Classification: Uncertain significance for Fanconi anemia. Last evaluated: 2021-08-27. Review status: criteria provided, single submitter. Criteria: Invitae Variant Classification Sherloc (09022015). Collection method: clinical testing. Allele origin: germline.
Comment: This sequence change replaces valine with isoleucine at codon 70 of the FANCL protein (p.Val70Ile). The valine residue is highly conserved and there is a small physicochemical difference between valine and isoleucine. The frequency data for this variant in the population databases is considered unreliable, as metrics indicate poor data quality at this position in the ExAC database. This missense change has been observed in individual(s) with pancreatic cancer (PMID: 28767289). Algorithms developed to predict the effect of missense changes on protein structure and function output the following: SIFT: "Tolerated"; PolyPhen-2: "Benign"; Align-GVGD: "Class C0". The isoleucine amino acid residue is found in multiple mammalian species, which suggests that this missense change does not adversely affect protein function. In summary, the available evidence is currently insufficient to determine the role of this variant in disease. Therefore, it has been classified as a Variant of Uncertain Significance.

Literature cited by the submitters: PubMed 28767289.

NM_018062.4(FANCL):c.208G>A (p.Val70Ile)

Gene: FANCL (FA complementation group L; minus strand). Cytogenetic location: 2p16.1.
Variant type: single nucleotide variant.
Coding change: c.208G>A on transcript NM_018062.4 (MANE Select); coding-DNA position 208, G replaced by A.
Protein change: p.Val70Ile; replaces valine 70 with isoleucine.
Molecular consequence: missense variant.
Genome position (GRCh38, 1-based): chr2:58,229,822, C>T on the plus strand (G>A on the coding strand, the complement: FANCL is on the minus strand). VCF-style: chr2-58229822-C-T. GRCh37 (hg19) VCF-style: chr2-58456957-C-T.
Other names: c.208G>A, p.Val70Ile (NM_001114636.2, NM_001374615.1, NM_001410792.1); short protein forms V70I.
Identifiers: ClinVar variation 1398706 (VCV001398706.5), dbSNP rs758754024, ClinGen allele CA1670756.